The following is an entry in ClinVar:

ClinVar aggregate classification (germline): Benign. Review status: criteria provided, multiple submitters, no conflicts (2 of 4 stars). 3 submissions from 3 submitters: Benign (3). Last evaluated 2025-12-23.

Conditions:
Early-infantile DEE. Also called: Ohtahara syndrome; Early infantile epileptic encephalopathy; Early infantile epileptic encephalopathy with suppression bursts. Identifiers: Orphanet 1934, MedGen C0393706, MONDO:0800491.
Developmental and epileptic encephalopathy, 5 (DEE5). Identifiers: Orphanet 3451, MedGen C3150731, MONDO:0013277, OMIM 613477.

Allele frequency attached by ClinVar (database versions not stated): gnomAD 0.00004 and 0.00006; gnomAD exomes 0.00005 and 0.00013; ExAC 0.00011; TOPMed 0.00012; ESP Exome Variant Server 0.00015; 1000 Genomes Project 30x 0.00016; 1000 Genomes Project 0.00020.
gnomAD v4.1: 94 of 1,614,020 alleles (0.0058%); highest among the groups gnomAD compares: Admixed American, 0.03%; no homozygotes.

Submissions (3):

Labcorp Genetics (formerly Invitae), Labcorp
Classification: Benign for Early-infantile DEE. Last evaluated: 2025-12-23. Review status: criteria provided, single submitter. Criteria: Invitae Variant Classification Sherloc (09022015). Collection method: clinical testing. Allele origin: germline.

Genome-Nilou Lab
Classification: Benign for Developmental and epileptic encephalopathy, 5. Last evaluated: 2021-07-15. Review status: criteria provided, single submitter. Criteria: ACMG Guidelines, 2015. Collection method: clinical testing. Allele origin: germline. Affected: no.

GeneDx
Classification: Benign. Last evaluated: 2014-10-27. Review status: criteria provided, single submitter. Criteria: GeneDx Variant Classification (06012015). Collection method: clinical testing. Allele origin: germline. Affected: yes.
Comment: This variant is considered likely benign or benign based on one or more of the following criteria: it is a conservative change, it occurs at a poorly conserved position in the protein, it is predicted to be benign by multiple in silico algorithms, and/or has population frequency not consistent with disease.

NM_001130438.3(SPTAN1):c.4046+4C>T

Gene: SPTAN1 (spectrin alpha, non-erythrocytic 1; plus strand). Cytogenetic location: 9q34.11.
Variant type: single nucleotide variant.
Coding change: c.4046+4C>T on transcript NM_001130438.3 (MANE Select); 4 bases into the intron after coding-DNA position 4046, C replaced by T.
Molecular consequence: intron variant.
Genome position (GRCh38, 1-based): chr9:128,605,481, C>T. VCF-style: chr9-128605481-C-T. GRCh37 (hg19) VCF-style: chr9-131367760-C-T.
Other names: c.4046+4C>T (NM_001363759.2, NM_003127.4); c.3986+4C>T (NM_001363765.2, NM_001195532.2).
Identifiers: ClinVar variation 207288 (VCV000207288.15), dbSNP rs370704701, ClinGen allele CA318613.